The following is an entry in ClinVar:

ClinVar aggregate classification (germline): Uncertain significance (1 of 4 stars; one submission).

Conditions:
Cardiovascular phenotype. Identifiers: MedGen CN230736.

Submission:

Ambry Genetics
Classification: Uncertain significance for Cardiovascular phenotype. Last evaluated: 2025-06-02. Review status: criteria provided, single submitter. Criteria: Ambry Variant Classification Scheme 2023. Collection method: clinical testing. Allele origin: germline.
Comment: The p.H618Q variant (also known as c.1854C>G), located in coding exon 11 of the CBL gene, results from a C to G substitution at nucleotide position 1854. The histidine at codon 618 is replaced by glutamine, an amino acid with highly similar properties. This amino acid position is conserved. In addition, the in silico prediction for this alteration is inconclusive. Based on the available evidence, the clinical significance of this variant remains unclear.

NM_005188.4(CBL):c.1854C>G (p.His618Gln)

Gene: CBL (Cbl proto-oncogene; plus strand). Cytogenetic location: 11q23.3.
Variant type: single nucleotide variant.
Coding change: c.1854C>G on transcript NM_005188.4 (MANE Select); coding-DNA position 1854, C replaced by G.
Protein change: p.His618Gln; replaces histidine 618 with glutamine.
Molecular consequence: missense variant.
Genome position (GRCh38, 1-based): chr11:119,285,479, C>G. VCF-style: chr11-119285479-C-G. GRCh37 (hg19) VCF-style: chr11-119156189-C-G.
Other names: short protein forms H618Q.
Identifiers: ClinVar variation 3996082 (VCV003996082.1).
Genomic context (GRCh38, chr11:119,285,479, plus strand): 5'-ACCAGTATCTGCCCCAAGTTCCAGTGATCCCTGGACAGGAAGAGAATTAACCAACCGGCA[C>G]TCACTTCCATTTTCATTGCCCTCACAAATGGAGCCCAGACCAGATGTGCCTAGGCTCGGA-3'
Protein context (NP_005179.2, residues 608-628): PWTGRELTNR[His618Gln]SLPFSLPSQM